The following is an entry in ClinVar:

ClinVar aggregate classification (germline): Uncertain significance. Review status: criteria provided, multiple submitters, no conflicts (2 of 4 stars). 2 submissions from 2 submitters: Uncertain significance (2). Last evaluated 2025-01-06.

Conditions:
Inborn genetic diseases. Identifiers: MedGen C0950123, MeSH D030342.

Allele frequency attached by ClinVar (database versions not stated): ExAC 0.00005; gnomAD 0.00005; gnomAD exomes 0.00005 and 0.00010; TOPMed 0.00006.
gnomAD v4.1: 76 of 1,551,678 alleles (0.0049%); highest among the groups gnomAD compares: Middle Eastern, 0.13%; no homozygotes.

Submissions (2):

Labcorp Genetics (formerly Invitae), Labcorp
Classification: Uncertain significance. Last evaluated: 2025-01-06. Review status: criteria provided, single submitter. Criteria: Invitae Variant Classification Sherloc (09022015). Collection method: clinical testing. Allele origin: germline.
Comment: This sequence change replaces alanine, which is neutral and non-polar, with valine, which is neutral and non-polar, at codon 148 of the LRIT3 protein (p.Ala148Val). This variant is present in population databases (rs752362240, gnomAD 0.02%). This variant has not been reported in the literature in individuals affected with LRIT3-related conditions. ClinVar contains an entry for this variant (Variation ID: 1018380). An algorithm developed to predict the effect of missense changes on protein structure and function outputs the following: PolyPhen-2: "Benign". The valine amino acid residue is found in multiple mammalian species, which suggests that this missense change does not adversely affect protein function. In summary, the available evidence is currently insufficient to determine the role of this variant in disease. Therefore, it has been classified as a Variant of Uncertain Significance.

Ambry Genetics
Classification: Uncertain significance for Inborn genetic diseases. Last evaluated: 2022-02-03. Review status: criteria provided, single submitter. Criteria: Ambry Variant Classification Scheme 2023. Collection method: clinical testing. Allele origin: germline.

NM_198506.5(LRIT3):c.443C>T (p.Ala148Val)

Gene: LRIT3 (leucine rich repeat, Ig-like and transmembrane domains 3; plus strand). Cytogenetic location: 4q25.
Variant type: single nucleotide variant.
Coding change: c.443C>T on transcript NM_198506.5 (MANE Select); coding-DNA position 443, C replaced by T.
Protein change: p.Ala148Val; replaces alanine 148 with valine.
Molecular consequence: missense variant.
Genome position (GRCh38, 1-based): chr4:109,851,830, C>T. VCF-style: chr4-109851830-C-T. GRCh37 (hg19) VCF-style: chr4-110772986-C-T.
Other names: c.308C>T (NM_198506.2); short protein forms A148V.
Identifiers: ClinVar variation 1018380 (VCV001018380.4), dbSNP rs752362240, ClinGen allele CA3042989.